The following is an entry in ClinVar:

ClinVar aggregate classification (germline): Uncertain significance. Review status: criteria provided, multiple submitters, no conflicts (2 of 4 stars). 8 submissions from 8 submitters: Uncertain significance (7). 1 of the submissions does not count toward it. Last evaluated 2025-10-21.

Conditions:
Hereditary cancer-predisposing syndrome. Also called: Tumor predisposition; Hereditary Cancer Syndrome; Neoplastic Syndromes, Hereditary; Hereditary neoplastic syndrome. Identifiers: Orphanet 140162, MedGen C0027672, MeSH D009386, MONDO:0015356.
Hereditary breast ovarian cancer syndrome. Also called: Breast and ovarian cancer; Hereditary breast and ovarian cancer; Hereditary breast and ovarian cancer syndrome; BRCA1- and BRCA2-Associated Hereditary Breast and Ovarian Cancer; Hereditary breast and ovarian cancer syndrome (HBOC); Hereditary breast and/or ovarian cancer syndrome. Identifiers: Orphanet 145, MedGen C0677776, MeSH D061325, MONDO:0003582. Disease mechanism: loss of function.
Familial cancer of breast. Also called: BREAST CANCER, FAMILIAL; hereditary breast carcinoma; Hereditary breast cancer. Identifiers: Orphanet 227535, MedGen C0346153, MONDO:0016419, OMIM 114480. Disease mechanism: loss of function.
Breast-ovarian cancer, familial, susceptibility to, 2 (BROVCA2). Also called: BRCA2 Hereditary Breast and Ovarian Cancer. Identifiers: Orphanet 145, MedGen C2675520, MONDO:0012933, OMIM 612555. Disease mechanism: loss of function.

Allele frequency attached by ClinVar (database versions not stated): gnomAD 0.00001.
gnomAD v4.1: 3 of 1,613,916 alleles (0.00019%); highest among the groups gnomAD compares: African/African-American, 0.004%; no homozygotes.

Submissions (8):

Labcorp Genetics (formerly Invitae), Labcorp
Classification: Uncertain significance for Hereditary breast ovarian cancer syndrome. Last evaluated: 2025-10-21. Review status: criteria provided, single submitter. Criteria: Invitae Variant Classification Sherloc (09022015). Collection method: clinical testing. Allele origin: germline.
Comment: This sequence change replaces aspartic acid, which is acidic and polar, with glutamic acid, which is acidic and polar, at codon 3188 of the BRCA2 protein (p.Asp3188Glu). This variant is present in population databases (rs398122616, gnomAD 0.01%). This variant has not been reported in the literature in individuals affected with BRCA2-related conditions. ClinVar contains an entry for this variant (Variation ID: 91527). Invitae Evidence Modeling of protein sequence and biophysical properties (such as structural, functional, and spatial information, amino acid conservation, physicochemical variation, residue mobility, and thermodynamic stability) indicates that this missense variant is not expected to disrupt BRCA2 protein function with a negative predictive value of 95%. In summary, the available evidence is currently insufficient to determine the role of this variant in disease. Therefore, it has been classified as a Variant of Uncertain Significance.

Ambry Genetics
Classification: Uncertain significance for Hereditary cancer-predisposing syndrome. Last evaluated: 2024-10-30. Review status: criteria provided, single submitter. Criteria: Ambry Variant Classification Scheme 2023. Collection method: clinical testing. Allele origin: germline.
Comment: The p.D3188E variant (also known as c.9564T>A), located in coding exon 25 of the BRCA2 gene, results from a T to A substitution at nucleotide position 9564. The aspartic acid at codon 3188 is replaced by glutamic acid, an amino acid with highly similar properties. This amino acid position is not well conserved in available vertebrate species. In addition, the in silico prediction for this alteration is inconclusive. Based on the available evidence, the clinical significance of this variant remains unclear.

Baylor Genetics
Classification: Uncertain significance for Familial cancer of breast. Last evaluated: 2024-03-13. Review status: criteria provided, single submitter. Criteria: ACMG Guidelines, 2015. Collection method: clinical testing. Allele origin: unknown.

Women's Health and Genetics/Laboratory Corporation of America, LabCorp
Classification: Uncertain significance. Last evaluated: 2024-02-05. Review status: criteria provided, single submitter. Criteria: LabCorp Variant Classification Summary - May 2015. Collection method: clinical testing. Allele origin: germline.

All of Us Research Program, National Institutes of Health
Classification: Uncertain significance for Breast-ovarian cancer, familial, susceptibility to, 2. Last evaluated: 2023-06-26. Review status: criteria provided, single submitter. Criteria: ACMG Guidelines, 2015. Collection method: clinical testing. Allele origin: germline. Inheritance: Autosomal dominant inheritance. Observed: 1 variant allele, 1 heterozygote.
Comment: This missense variant replaces aspartic acid with glutamic acid at codon 3188 of the BRCA2 protein. Computational prediction is inconclusive regarding the impact of this variant on protein structure and function (internally defined REVEL score threshold 0.5 < inconclusive < 0.7, PMID: 27666373). To our knowledge, functional studies have not been reported for this variant. This variant has not been reported in individuals affected with BRCA2-related disorders in the literature. This variant has been identified in 1/31408 chromosomes in the general population by the Genome Aggregation Database (gnomAD). The available evidence is insufficient to determine the role of this variant in disease conclusively. Therefore, this variant is classified as a Variant of Uncertain Significance.

This study involves interpretation of variants in research participants for the purpose of population health screening. Participant phenotype was not available at the time of variant classification. Additional details can be found in publication PMID: 35346344, PMCID: PMC8962531

Quest Diagnostics Nichols Institute San Juan Capistrano
Classification: Uncertain significance. Last evaluated: 2023-05-07. Review status: criteria provided, single submitter. Criteria: Quest Diagnostics criteria. Collection method: clinical testing. Allele origin: unknown.
Comment: This variant has not been reported in the published literature. The frequency of this variant in the general population, 0.000032 (1/31408 chromosomes), is uninformative in assessment of its pathogenicity. Analysis of this variant using bioinformatics tools for the prediction of the effect of amino acid changes on protein structure and function yielded predictions that this variant is benign. Based on the available information, we are unable to determine the clinical significance of this variant.

GeneDx
Classification: Uncertain significance. Last evaluated: 2014-06-06. Review status: criteria provided, single submitter. Criteria: GeneDx Variant Classification (06012015). Collection method: clinical testing. Allele origin: germline. Affected: yes.
Comment: This variant is denoted BRCA2 c.9564T>A at the cDNA level, p.Asp3188Glu (D3188E) at the protein level, and results in the change of an Aspartic Acid to a Glutamic Acid (GAT>GAA). This variant has not, to our knowledge, been published in the literature as pathogenic or benign. BRCA2 Asp3188Glu was not observed in approximately 6,500 individuals of European and African American ancestry in the NHLBI Exome Sequencing Project, indicating it is not a common benign variant in these populations. Since Aspartic Acid and Glutamic Acid share similar properties, this is considered a conservative amino acid substitution. BRCA2 Asp3188Glu occurs at a position that is moderately conserved among mammals and is not located in a known functional domain. In addition, in silico analyses predict that this variant is unlikely to alter protein structure or function. Based on currently available information, it is unclear whether BRCA2 Asp3188Glu is pathogenic or benign. We consider it to be a variant of uncertain significance.

Sharing Clinical Reports Project (SCRP)
Classification: Uncertain significance for Breast-ovarian cancer, familial 2. Last evaluated: 2009-09-17. Review status: no assertion criteria provided. Collection method: clinical testing. Allele origin: germline. Not counted in ClinVar's aggregate classification.

NM_000059.4(BRCA2):c.9564T>A (p.Asp3188Glu)

Gene: BRCA2 (BRCA2 DNA repair associated; plus strand). Cytogenetic location: 13q13.1.
Variant type: single nucleotide variant.
Coding change: c.9564T>A on transcript NM_000059.4 (MANE Select); coding-DNA position 9564, T replaced by A.
Protein change: p.Asp3188Glu; replaces aspartic acid 3188 with glutamic acid.
Molecular consequence: missense variant.
Genome position (GRCh38, 1-based): chr13:32,396,960, T>A. VCF-style: chr13-32396960-T-A. GRCh37 (hg19) VCF-style: chr13-32971097-T-A.
Other names: p.D3188E:GAT>GAA; 9792T>A; short protein forms D3188E.
Identifiers: ClinVar variation 91527 (VCV000091527.18), dbSNP rs398122616, ClinGen allele CA026211.